The following is an entry in ClinVar:

NM_006904.7(PRKDC):c.10450A>T (p.Thr3484Ser)

Gene: PRKDC (protein kinase, DNA-activated, catalytic subunit; minus strand). Cytogenetic location: 8q11.21.
Variant type: single nucleotide variant.
Coding change: c.10450A>T on transcript NM_006904.7 (MANE Select); coding-DNA position 10450, A replaced by T.
Protein change: p.Thr3484Ser; replaces threonine 3484 with serine.
Molecular consequence: missense variant.
Genome position (GRCh38, 1-based): chr8:47,798,245, T>A on the plus strand (A>T on the coding strand, the complement: PRKDC is on the minus strand). VCF-style: chr8-47798245-T-A. GRCh37 (hg19) VCF-style: chr8-48710806-T-A.
Other names: c.10450A>T, p.Thr3484Ser (NM_001081640.2); short protein forms T3484S.
Identifiers: ClinVar variation 2914713 (VCV002914713.3), dbSNP rs771760643, ClinGen allele CA371134776.
Genomic context (GRCh38, chr8:47,798,245, plus strand): 5'-ATCTTTAAGTTCTGTAAAGTTCCTTACCGCCAAGTAGAATAAAGACACCAACCTCTTTTG[T>A]CATGAGGCTCAAAGTCTCCTCTGGATACCGTTCTATAATCTGAAGTAATCTAGGAAACTT-3'
Protein context (NP_008835.5, residues 3474-3494): RYPEETLSLM[Thr3484Ser]KEISSVPCWQ

ClinVar aggregate classification (germline): Uncertain significance (1 of 4 stars; one submission).

Conditions:
Severe combined immunodeficiency due to DNA-PKcs deficiency. Also called: IMMUNODEFICIENCY 26 WITH NEUROLOGIC ABNORMALITIES; Immunodeficiency 26 with or without neurologic abnormalities. Identifiers: Orphanet 317425, MedGen C4014833, MONDO:0014423, OMIM 615966.

Submission:

Labcorp Genetics (formerly Invitae), Labcorp
Classification: Uncertain significance for Severe combined immunodeficiency due to DNA-PKcs deficiency. Last evaluated: 2023-08-25. Review status: criteria provided, single submitter. Criteria: Invitae Variant Classification Sherloc (09022015). Collection method: clinical testing. Allele origin: germline.
Comment: This sequence change replaces threonine, which is neutral and polar, with serine, which is neutral and polar, at codon 3484 of the PRKDC protein (p.Thr3484Ser). This variant is not present in population databases (gnomAD no frequency). This variant has not been reported in the literature in individuals affected with PRKDC-related conditions. Advanced modeling of protein sequence and biophysical properties (such as structural, functional, and spatial information, amino acid conservation, physicochemical variation, residue mobility, and thermodynamic stability) performed at Invitae indicates that this missense variant is not expected to disrupt PRKDC protein function. In summary, the available evidence is currently insufficient to determine the role of this variant in disease. Therefore, it has been classified as a Variant of Uncertain Significance.